The following is an entry in ClinVar:

ClinVar aggregate classification (germline): Uncertain significance (1 of 4 stars; one submission).

Conditions:
Neurofibromatosis, type 1 (NF1). Also called: VON RECKLINGHAUSEN DISEASE; NEUROFIBROMATOSIS, TYPE I, SOMATIC; Peripheral type neurofibromatosis; Neurofibromatosis, type I. Identifiers: Orphanet 636, MedGen C0027831, MONDO:0018975, OMIM 162200. Disease mechanism: loss of function.

Submission:

Labcorp Genetics (formerly Invitae), Labcorp
Classification: Uncertain significance for Neurofibromatosis, type 1. Last evaluated: 2018-04-17. Review status: criteria provided, single submitter. Criteria: Invitae Variant Classification Sherloc (09022015). Collection method: clinical testing. Allele origin: germline.
Comment: In summary, the available evidence is currently insufficient to determine the role of this variant in disease. Therefore, it has been classified as a Variant of Uncertain Significance. Algorithms developed to predict the effect of sequence changes on RNA splicing suggest that this variant may disrupt the consensus splice site, but this prediction has not been confirmed by published transcriptional studies. This variant has not been reported in the literature in individuals with NF1-related disease. This variant is not present in population databases (ExAC no frequency). This sequence change falls in intron 15 of the NF1 gene. It does not directly change the encoded amino acid sequence of the NF1 protein.

NM_001042492.3(NF1):c.1722-9T>G

Gene: NF1 (neurofibromin 1; plus strand). Cytogenetic location: 17q11.2.
Variant type: single nucleotide variant.
Coding change: c.1722-9T>G on transcript NM_001042492.3 (MANE Select); 9 bases into the intron before coding-DNA position 1722, T replaced by G.
Molecular consequence: intron variant.
Genome position (GRCh38, 1-based): chr17:31,223,435, T>G. VCF-style: chr17-31223435-T-G. GRCh37 (hg19) VCF-style: chr17-29550453-T-G.
Other names: c.1722-9T>G (NM_000267.4).
Identifiers: ClinVar variation 566858 (VCV000566858.5), dbSNP rs1567845805, ClinGen allele CA891844357.